The following is an entry in ClinVar:

NM_001170535.3(ATAD3A):c.1171G>A (p.Ala391Thr)

Gene: ATAD3A (ATPase family AAA domain containing 3A; plus strand). Cytogenetic location: 1p36.33.
Variant type: single nucleotide variant.
Coding change: c.1171G>A on transcript NM_001170535.3 (MANE Select); coding-DNA position 1171, G replaced by A.
Protein change: p.Ala391Thr; replaces alanine 391 with threonine.
Molecular consequence: missense variant.
Genome position (GRCh38, 1-based): chr1:1,524,354, G>A. VCF-style: chr1-1524354-G-A. GRCh37 (hg19) VCF-style: chr1-1459734-G-A.
Other names: c.934G>A, p.Ala312Thr (NM_001170536.3); c.1315G>A, p.Ala439Thr (NM_018188.5); short protein forms A312T, A391T, A439T.
Identifiers: ClinVar variation 3768452 (VCV003768452.1).

ClinVar aggregate classification (germline): Uncertain significance (1 of 4 stars; one submission).

Submission:

Women's Health and Genetics/Laboratory Corporation of America, LabCorp
Classification: Uncertain significance. Last evaluated: 2024-12-24. Review status: criteria provided, single submitter. Criteria: LabCorp Variant Classification Summary - May 2015. Collection method: clinical testing. Allele origin: germline.
Comment: Variant summary: ATAD3A c.1171G>A (p.Ala391Thr) results in a non-conservative amino acid change in the encoded protein sequence. Three of five in-silico tools predict a damaging effect of the variant on protein function. The variant allele was found at a frequency of 1.2e-05 in 247044 control chromosomes. The available data on variant occurrences in the general population are insufficient to allow any conclusion about variant significance. To our knowledge, no occurrence of c.1171G>A in individuals affected with Harel-Yoon syndrome-AD and no experimental evidence demonstrating its impact on protein function have been reported. No submitters have cited clinical-significance assessments for this variant to ClinVar. Based on the evidence outlined above, the variant was classified as uncertain significance.